The following is an entry in ClinVar:

NM_002661.5(PLCG2):c.1318C>A (p.Gln440Lys)

Gene: PLCG2 (phospholipase C gamma 2; plus strand). Cytogenetic location: 16q23.3.
Variant type: single nucleotide variant.
Coding change: c.1318C>A on transcript NM_002661.5 (MANE Select); coding-DNA position 1318, C replaced by A.
Protein change: p.Gln440Lys; replaces glutamine 440 with lysine.
Molecular consequence: missense variant.
Genome position (GRCh38, 1-based): chr16:81,900,736, C>A. VCF-style: chr16-81900736-C-A. GRCh37 (hg19) VCF-style: chr16-81934341-C-A.
Other names: c.1318C>A, p.Gln440Lys (NM_001425749.1, NM_001425750.1, NM_001425751.1); short protein forms Q440K.
Identifiers: ClinVar variation 2832979 (VCV002832979.3), dbSNP rs2507645154, ClinGen allele CA396899461.

ClinVar aggregate classification (germline): Uncertain significance (1 of 4 stars; one submission).

Conditions:
Familial cold autoinflammatory syndrome 3 (FCAS3). Also called: ANTIBODY DEFICIENCY AND IMMUNE DYSREGULATION, PLCG2-ASSOCIATED; FAMILIAL ATYPICAL COLD URTICARIA. Identifiers: Orphanet 300359, MedGen C3280914, MONDO:0013766, OMIM 614468.

Submission:

Labcorp Genetics (formerly Invitae), Labcorp
Classification: Uncertain significance for Familial cold autoinflammatory syndrome 3. Last evaluated: 2023-02-26. Review status: criteria provided, single submitter. Criteria: Invitae Variant Classification Sherloc (09022015). Collection method: clinical testing. Allele origin: germline.
Comment: An algorithm developed to predict the effect of missense changes on protein structure and function (PolyPhen-2) suggests that this variant is likely to be disruptive. In summary, the available evidence is currently insufficient to determine the role of this variant in disease. Therefore, it has been classified as a Variant of Uncertain Significance. This variant has not been reported in the literature in individuals affected with PLCG2-related conditions. This sequence change replaces glutamine, which is neutral and polar, with lysine, which is basic and polar, at codon 440 of the PLCG2 protein (p.Gln440Lys). This variant is not present in population databases (gnomAD no frequency).